The following is an entry in ClinVar:

ClinVar aggregate classification (germline): Uncertain significance. Review status: criteria provided, multiple submitters, no conflicts (2 of 4 stars). 2 submissions from 2 submitters: Uncertain significance (2). Last evaluated 2024-02-19.

Conditions:
Fanconi anemia (FA). Also called: Fanconi's anemia. Identifiers: Orphanet 84, MedGen C0015625, MeSH D005199, MONDO:0019391.
Fanconi anemia complementation group I (FANCI). Also called: FANCI-Related Fanconi Anemia. Identifiers: Orphanet 84, MedGen C1836861, MONDO:0012186, OMIM 609053.

Submissions (2):

Fulgent Genetics
Classification: Uncertain significance for Fanconi anemia complementation group I. Last evaluated: 2024-02-19. Review status: criteria provided, single submitter. Criteria: ACMG Guidelines, 2015. Collection method: clinical testing. Allele origin: germline.

Labcorp Genetics (formerly Invitae), Labcorp
Classification: Uncertain significance for Fanconi anemia. Last evaluated: 2023-05-24. Review status: criteria provided, single submitter. Criteria: Invitae Variant Classification Sherloc (09022015). Collection method: clinical testing. Allele origin: germline.
Comment: This variant has not been reported in the literature in individuals affected with FANCI-related conditions. In summary, the available evidence is currently insufficient to determine the role of this variant in disease. Therefore, it has been classified as a Variant of Uncertain Significance. Algorithms developed to predict the effect of missense changes on protein structure and function output the following: SIFT: "Not Available"; PolyPhen-2: "Benign"; Align-GVGD: "Not Available". The serine amino acid residue is found in multiple mammalian species, which suggests that this missense change does not adversely affect protein function. This variant is not present in population databases (gnomAD no frequency). This sequence change replaces threonine, which is neutral and polar, with serine, which is neutral and polar, at codon 406 of the FANCI protein (p.Thr406Ser).

NM_001113378.2(FANCI):c.1217C>G (p.Thr406Ser)

Gene: FANCI (FA complementation group I; plus strand). Cytogenetic location: 15q26.1.
Variant type: single nucleotide variant.
Coding change: c.1217C>G on transcript NM_001113378.2 (MANE Select); coding-DNA position 1217, C replaced by G.
Protein change: p.Thr406Ser; replaces threonine 406 with serine.
Molecular consequence: missense variant.
Genome position (GRCh38, 1-based): chr15:89,276,815, C>G. VCF-style: chr15-89276815-C-G. GRCh37 (hg19) VCF-style: chr15-89820046-C-G.
Other names: c.938C>G, p.Thr313Ser (NM_001376910.1); c.1217C>G, p.Thr406Ser (NM_001376911.1, NM_018193.3); short protein forms T313S, T406S.
Identifiers: ClinVar variation 2791669 (VCV002791669.4), dbSNP rs2506451563, ClinGen allele CA393742311.
Genomic context (GRCh38, chr15:89,276,815, plus strand): 5'-GTTTCATTTTGATGGATTCATATGGGCCAAAGAAGGTTCTTGATGGAAAAACTATTGAAA[C>G]CAGCCCAAGTCTTTCTAGAATGCCAAACCAGCATGCATGTAAGCTCGGAGCTAATATCCT-3'
Protein context (NP_001106849.1, residues 396-416): KKVLDGKTIE[Thr406Ser]SPSLSRMPNQ